The following is an entry in ClinVar:

ClinVar aggregate classification (germline): Uncertain significance (1 of 4 stars; one submission).

Allele frequency attached by ClinVar (database versions not stated): gnomAD exomes below 0.00001; ExAC 0.00001; gnomAD 0.00001; TOPMed 0.00001.
gnomAD v4.1: 16 of 1,613,692 alleles (0.00099%); highest among the groups gnomAD compares: East Asian, 0.0022%; no homozygotes.

Submission:

Labcorp Genetics (formerly Invitae), Labcorp
Classification: Uncertain significance. Last evaluated: 2024-02-24. Review status: criteria provided, single submitter. Criteria: Invitae Variant Classification Sherloc (09022015). Collection method: clinical testing. Allele origin: germline.
Comment: This sequence change replaces proline, which is neutral and non-polar, with leucine, which is neutral and non-polar, at codon 770 of the CLCN6 protein (p.Pro770Leu). This variant is present in population databases (rs771484760, gnomAD 0.005%). This variant has not been reported in the literature in individuals affected with CLCN6-related conditions. ClinVar contains an entry for this variant (Variation ID: 1368532). An algorithm developed to predict the effect of missense changes on protein structure and function (PolyPhen-2) suggests that this variant is likely to be disruptive. In summary, the available evidence is currently insufficient to determine the role of this variant in disease. Therefore, it has been classified as a Variant of Uncertain Significance.

NM_001286.5(CLCN6):c.2309C>T (p.Pro770Leu)

Gene: CLCN6 (chloride voltage-gated channel 6; plus strand). Cytogenetic location: 1p36.22.
Variant type: single nucleotide variant.
Coding change: c.2309C>T on transcript NM_001286.5 (MANE Select); coding-DNA position 2309, C replaced by T.
Protein change: p.Pro770Leu; replaces proline 770 with leucine.
Molecular consequence: missense variant. On other transcripts: non-coding transcript variant (1).
Genome position (GRCh38, 1-based): chr1:11,838,348, C>T. VCF-style: chr1-11838348-C-T. GRCh37 (hg19) VCF-style: chr1-11898405-C-T.
Other names: c.2243C>T, p.Pro748Leu (NM_001256959.2); short protein forms P748L, P770L.
Identifiers: ClinVar variation 1368532 (VCV001368532.8), dbSNP rs771484760, ClinGen allele CA596799.